The following is an entry in ClinVar:

NM_000548.5(TSC2):c.5043C>A (p.Asn1681Lys)

Gene: TSC2 (TSC complex subunit 2; plus strand). Cytogenetic location: 16p13.3.
Variant type: single nucleotide variant.
Coding change: c.5043C>A on transcript NM_000548.5 (MANE Select); coding-DNA position 5043, C replaced by A.
Protein change: p.Asn1681Lys; replaces asparagine 1681 with lysine.
Molecular consequence: missense variant.
Genome position (GRCh38, 1-based): chr16:2,087,916, C>A. VCF-style: chr16-2087916-C-A. GRCh37 (hg19) VCF-style: chr16-2137917-C-A.
Other names: c.4842C>A, p.Asn1614Lys (NM_001077183.3); c.4974C>A, p.Asn1658Lys (NM_001114382.3); c.4734C>A, p.Asn1578Lys (NM_001318827.2); c.4698C>A, p.Asn1566Lys (NM_001318829.2); c.4311C>A, p.Asn1437Lys (NM_001318831.2); c.4875C>A, p.Asn1625Lys (NM_001318832.2); c.4845C>A, p.Asn1615Lys (NM_001363528.2); c.4911C>A, p.Asn1637Lys (NM_001370404.1); and 26 more; short protein forms N1190K, N1210K, N1611K, N1637K, N1638K, N1080K, N1166K, N1167K.
Identifiers: ClinVar variation 1744965 (VCV001744965.3), dbSNP rs45476793, ClinGen allele CA394311454.

ClinVar aggregate classification (germline): Pathogenic (1 of 4 stars; one submission).

Conditions:
Hereditary cancer-predisposing syndrome. Also called: Hereditary Cancer Syndrome; Neoplastic Syndromes, Hereditary; Tumor predisposition; Hereditary neoplastic syndrome. Identifiers: Orphanet 140162, MedGen C0027672, MeSH D009386, MONDO:0015356.

Submission:

Ambry Genetics
Classification: Pathogenic for Hereditary cancer-predisposing syndrome. Last evaluated: 2024-09-24. Review status: criteria provided, single submitter. Criteria: Ambry Variant Classification Scheme 2023. Collection method: clinical testing. Allele origin: germline.
Comment: The p.N1681K pathogenic mutation (also known as c.5043C>A), located in coding exon 38 of the TSC2 gene, results from a C to A substitution at nucleotide position 5043. The asparagine at codon 1681 is replaced by lysine, an amino acid with similar properties. This alteration has been observed in at least one individual with a personal and/or family history that is consistent with TSC2-related disease (Ambry internal data). Another alteration that results in the same amino acid change (c.5043G>C) has been identified as de novo in an individual meeting diagnostic criteria for tuberous sclerosis complex (TSC), and the variant has been observed in TSC cohorts (Maheshwar MM et al. Hum. Mol. Genet., 1997 Oct;6:1991-6; Rosengren T et al. Sci Rep 2020 Jun;10(1):9909). This amino acid change was found to be deleterious in a protein functional study (Rosengren T et al. Sci Rep 2020 Jun;10(1):9909). This amino acid position is highly conserved in available vertebrate species. In addition, the in silico prediction for this alteration is inconclusive. This variant is considered to be rare based on population cohorts in the Genome Aggregation Database (gnomAD). Based on the supporting evidence, this alteration is interpreted as a disease-causing mutation.

Literature cited by the submitters: PubMed 11521203; PubMed 32555378; PubMed 9302281.